The following is an entry in ClinVar:

ClinVar aggregate classification (germline): Conflicting classifications of pathogenicity. Review status: criteria provided, conflicting classifications (1 of 4 stars). 2 submissions from 2 submitters: Uncertain significance (1); Likely benign (1). Last evaluated 2025-05-19.

Conditions:
Hereditary cancer-predisposing syndrome. Also called: Tumor predisposition; Hereditary neoplastic syndrome; Neoplastic Syndromes, Hereditary; Hereditary Cancer Syndrome. Identifiers: Orphanet 140162, MedGen C0027672, MeSH D009386, MONDO:0015356.
Familial cancer of breast. Also called: hereditary breast carcinoma; Hereditary breast cancer; BREAST CANCER, FAMILIAL. Identifiers: Orphanet 227535, MedGen C0346153, MONDO:0016419, OMIM 114480. Disease mechanism: loss of function.

Submissions (2):

Ambry Genetics
Classification: Likely benign for Hereditary cancer-predisposing syndrome. Last evaluated: 2025-05-19. Review status: criteria provided, single submitter. Criteria: Ambry Variant Classification Scheme 2023. Collection method: clinical testing. Allele origin: germline.

Labcorp Genetics (formerly Invitae), Labcorp
Classification: Uncertain significance for Familial cancer of breast. Last evaluated: 2024-11-15. Review status: criteria provided, single submitter. Criteria: Invitae Variant Classification Sherloc (09022015). Collection method: clinical testing. Allele origin: germline.
Comment: This sequence change replaces proline, which is neutral and non-polar, with leucine, which is neutral and non-polar, at codon 388 of the PALB2 protein (p.Pro388Leu). This variant is not present in population databases (gnomAD no frequency). This variant has not been reported in the literature in individuals affected with PALB2-related conditions. ClinVar contains an entry for this variant (Variation ID: 818461). Invitae Evidence Modeling of protein sequence and biophysical properties (such as structural, functional, and spatial information, amino acid conservation, physicochemical variation, residue mobility, and thermodynamic stability) indicates that this missense variant is not expected to disrupt PALB2 protein function with a negative predictive value of 80%. In summary, the available evidence is currently insufficient to determine the role of this variant in disease. Therefore, it has been classified as a Variant of Uncertain Significance.

NM_024675.4(PALB2):c.1163C>T (p.Pro388Leu)

Gene: PALB2 (partner and localizer of BRCA2; minus strand). Cytogenetic location: 16p12.2.
Variant type: single nucleotide variant.
Coding change: c.1163C>T on transcript NM_024675.4 (MANE Select); coding-DNA position 1163, C replaced by T.
Protein change: p.Pro388Leu; replaces proline 388 with leucine.
Molecular consequence: missense variant.
Genome position (GRCh38, 1-based): chr16:23,635,383, G>A on the plus strand (C>T on the coding strand, the complement: PALB2 is on the minus strand). VCF-style: chr16-23635383-G-A. GRCh37 (hg19) VCF-style: chr16-23646704-G-A.
Other names: short protein forms P388L.
Identifiers: ClinVar variation 818461 (VCV000818461.16), dbSNP rs1597096898, ClinGen allele CA395133468.